The following is an entry in ClinVar:

ClinVar aggregate classification (germline): Uncertain significance (1 of 4 stars; one submission).

Allele frequency attached by ClinVar (database versions not stated): gnomAD 0.00001; gnomAD exomes 0.00001; TOPMed 0.00001; ExAC 0.00002.
gnomAD v4.1: 5 of 1,613,688 alleles (0.00031%); highest among the groups gnomAD compares: Admixed American, 0.0083%; no homozygotes.

Submission:

Labcorp Genetics (formerly Invitae), Labcorp
Classification: Uncertain significance. Last evaluated: 2022-05-16. Review status: criteria provided, single submitter. Criteria: Invitae Variant Classification Sherloc (09022015). Collection method: clinical testing. Allele origin: germline.
Comment: This sequence change replaces glycine, which is neutral and non-polar, with cysteine, which is neutral and slightly polar, at codon 135 of the EIF2B3 protein (p.Gly135Cys). This variant is present in population databases (rs775430377, gnomAD 0.01%). This variant has not been reported in the literature in individuals affected with EIF2B3-related conditions. Algorithms developed to predict the effect of missense changes on protein structure and function are either unavailable or do not agree on the potential impact of this missense change (SIFT: "Deleterious"; PolyPhen-2: "Benign"; Align-GVGD: "Class C0"). In summary, the available evidence is currently insufficient to determine the role of this variant in disease. Therefore, it has been classified as a Variant of Uncertain Significance.

NM_020365.5(EIF2B3):c.403G>T (p.Gly135Cys)

Gene: EIF2B3 (eukaryotic translation initiation factor 2B subunit gamma; minus strand). Cytogenetic location: 1p34.1.
Variant type: single nucleotide variant.
Coding change: c.403G>T on transcript NM_020365.5 (MANE Select); coding-DNA position 403, G replaced by T.
Protein change: p.Gly135Cys; replaces glycine 135 with cysteine.
Molecular consequence: missense variant.
Genome position (GRCh38, 1-based): chr1:44,941,557, C>A on the plus strand (G>T on the coding strand, the complement: EIF2B3 is on the minus strand). VCF-style: chr1-44941557-C-A. GRCh37 (hg19) VCF-style: chr1-45407229-C-A.
Other names: c.403G>T, p.Gly135Cys (NM_001166588.3, NM_001261418.2); short protein forms G135C.
Identifiers: ClinVar variation 1902308 (VCV001902308.3), dbSNP rs775430377, ClinGen allele CA824038.